The following is an entry in ClinVar:

NM_002529.4(NTRK1):c.1946G>A (p.Arg649Gln)

Gene: NTRK1 (neurotrophic receptor tyrosine kinase 1; plus strand). Cytogenetic location: 1q23.1.
Variant type: single nucleotide variant.
Coding change: c.1946G>A on transcript NM_002529.4 (MANE Select); coding-DNA position 1946, G replaced by A.
Protein change: p.Arg649Gln; replaces arginine 649 with glutamine.
Molecular consequence: missense variant.
Genome position (GRCh38, 1-based): chr1:156,879,262, G>A. VCF-style: chr1-156879262-G-A. GRCh37 (hg19) VCF-style: chr1-156849054-G-A.
Other names: c.1838G>A, p.Arg613Gln (NM_001007792.1); c.1928G>A, p.Arg643Gln (NM_001012331.2); short protein forms R613Q, R643Q, R649Q.
Identifiers: ClinVar variation 190988 (VCV000190988.10), dbSNP rs786205449, ClinGen allele CA235758.
Genomic context (GRCh38, chr1:156,879,262, plus strand): 5'-CCGTGGCTAGCCAGGTCGCTGCGGGGATGGTGTACCTGGCGGGTCTGCATTTTGTGCACC[G>A]GGACCTGGCCACACGCAACTGTCTAGTGGGCCAGGGACTGGTGGTCAAGATTGGTGATTT-3'
Protein context (NP_002520.2, residues 639-659): VYLAGLHFVH[Arg649Gln]DLATRNCLVG

ClinVar aggregate classification (germline): Conflicting classifications of pathogenicity. Review status: criteria provided, conflicting classifications (1 of 4 stars). 3 submissions from 2 submitters: Likely pathogenic (1); Uncertain significance (1). 1 of the submissions does not count toward it. Last evaluated 2024-03-14.

Conditions:
Hereditary insensitivity to pain with anhidrosis (CIPA). Also called: HSAN Type IV; INSENSITIVITY TO PAIN, CONGENITAL, WITH ANHIDROSIS; FAMILIAL DYSAUTONOMIA, TYPE II; hereditary sensory and autonomic neuropathy type 4; NTRK1 Congenital Insensitivity to Pain with Anhidrosis; NEUROPATHY, CONGENITAL SENSORY, WITH ANHIDROSIS. Identifiers: Orphanet 642, MedGen C0020074, MONDO:0009746, OMIM 256800.

Allele frequency attached by ClinVar (database versions not stated): gnomAD exomes below 0.00001.
gnomAD v4.1: 3 of 1,613,942 alleles (0.00019%); highest among the groups gnomAD compares: South Asian, 0.0011%; no homozygotes.

Submissions (3):

Genomic Medicine Center of Excellence, King Faisal Specialist Hospital and Research Centre
Classification: Likely pathogenic for Hereditary insensitivity to pain with anhidrosis. Last evaluated: 2024-03-14. Review status: criteria provided, single submitter. Criteria: ACMG Guidelines, 2015. Collection method: research. Allele origin: germline.

Labcorp Genetics (formerly Invitae), Labcorp
Classification: Uncertain significance for Hereditary insensitivity to pain with anhidrosis. Last evaluated: 2021-08-30. Review status: criteria provided, single submitter. Criteria: Invitae Variant Classification Sherloc (09022015). Collection method: clinical testing. Allele origin: germline.
Comment: This sequence change replaces arginine with glutamine at codon 643 of the NTRK1 protein (p.Arg643Gln). The arginine residue is highly conserved and there is a small physicochemical difference between arginine and glutamine. This variant is not present in population databases (ExAC no frequency). This missense change has been observed in individual(s) with hereditary sensory and autonomic neuropathy (PMID: 28328124). ClinVar contains an entry for this variant (Variation ID: 190988). Algorithms developed to predict the effect of missense changes on protein structure and function are either unavailable or do not agree on the potential impact of this missense change (SIFT: "Deleterious"; PolyPhen-2: "Benign"; Align-GVGD: "Class C35"). Algorithms developed to predict the effect of sequence changes on RNA splicing suggest that this variant may create or strengthen a splice site. This variant disrupts the p.Arg643 amino acid residue in NTRK1. Other variant(s) that disrupt this residue have been determined to be pathogenic (PMID: 10330344, 11159935, 11719521, 22653642, 29770739). This suggests that this residue is clinically significant, and that variants that disrupt this residue are likely to be disease-causing. In summary, the available evidence is currently insufficient to determine the role of this variant in disease. Therefore, it has been classified as a Variant of Uncertain Significance.

Genomic Medicine Center of Excellence, King Faisal Specialist Hospital and Research Centre
Classification: Likely pathogenic. Review status: flagged submission. Criteria: ACMG Guidelines, 2015. Collection method: research. Allele origin: germline. Affected: yes. Not counted in ClinVar's aggregate classification.
ClinVar note: Reason: This record appears to be redundant with a more recent record from the same submitter.
ClinVar note: Notes: SCV000221356 appears to be redundant with SCV004801246.

Literature cited by the submitters: PubMed 28328124 (cited by Labcorp Genetics (formerly Invitae), Labcorp); PubMed 10330344 (cited by Labcorp Genetics (formerly Invitae), Labcorp); PubMed 11159935 (cited by Labcorp Genetics (formerly Invitae), Labcorp); PubMed 11719521 (cited by Labcorp Genetics (formerly Invitae), Labcorp); PubMed 22653642 (cited by Labcorp Genetics (formerly Invitae), Labcorp); PubMed 29770739 (cited by Labcorp Genetics (formerly Invitae), Labcorp).